The following is an entry in ClinVar:

NM_001197104.2(KMT2A):c.3854A>G (p.Gln1285Arg)

Gene: KMT2A (lysine methyltransferase 2A; plus strand). Cytogenetic location: 11q23.3.
Variant type: single nucleotide variant.
Coding change: c.3854A>G on transcript NM_001197104.2 (MANE Select); coding-DNA position 3854, A replaced by G.
Protein change: p.Gln1285Arg; replaces glutamine 1285 with arginine.
Molecular consequence: missense variant.
Genome position (GRCh38, 1-based): chr11:118,481,934, A>G. VCF-style: chr11-118481934-A-G. GRCh37 (hg19) VCF-style: chr11-118352649-A-G.
Other names: c.3953A>G, p.Gln1318Arg (NM_001412597.1); c.3854A>G, p.Gln1285Arg (NM_005933.4); short protein forms Q1285R, Q1318R.
Identifiers: ClinVar variation 2839980 (VCV002839980.3), dbSNP rs2496863932, ClinGen allele CA382828145.

ClinVar aggregate classification (germline): Uncertain significance (1 of 4 stars; one submission).

Submission:

Labcorp Genetics (formerly Invitae), Labcorp
Classification: Uncertain significance. Last evaluated: 2025-05-14. Review status: criteria provided, single submitter. Criteria: Invitae Variant Classification Sherloc (09022015). Collection method: clinical testing. Allele origin: germline.
Comment: This sequence change replaces glutamine, which is neutral and polar, with arginine, which is basic and polar, at codon 1285 of the KMT2A protein (p.Gln1285Arg). This variant is not present in population databases (gnomAD no frequency). This variant has not been reported in the literature in individuals affected with KMT2A-related conditions. ClinVar contains an entry for this variant (Variation ID: 2839980). Invitae Evidence Modeling of protein sequence and biophysical properties (such as structural, functional, and spatial information, amino acid conservation, physicochemical variation, residue mobility, and thermodynamic stability) has been performed for this missense variant. However, the output from this modeling did not meet the statistical confidence thresholds required to predict the impact of this variant on KMT2A protein function. In summary, the available evidence is currently insufficient to determine the role of this variant in disease. Therefore, it has been classified as a Variant of Uncertain Significance.